The following is an entry in ClinVar:

NM_024757.5(EHMT1):c.2276-10T>G

Gene: EHMT1 (euchromatic histone lysine methyltransferase 1; plus strand). Cytogenetic location: 9q34.3.
Variant type: single nucleotide variant.
Coding change: c.2276-10T>G on transcript NM_024757.5 (MANE Select); 10 bases into the intron before coding-DNA position 2276, T replaced by G.
Molecular consequence: intron variant.
Genome position (GRCh38, 1-based): chr9:137,782,281, T>G. VCF-style: chr9-137782281-T-G. GRCh37 (hg19) VCF-style: chr9-140676733-T-G.
Other names: c.2255-10T>G (NM_001354263.2); c.2183-10T>G (NM_001354259.2); c.2276-10T>G (NM_001145527.2).
Identifiers: ClinVar variation 2061127 (VCV002061127.4), dbSNP rs1186059789, ClinGen allele CA591245849.

ClinVar aggregate classification (germline): Uncertain significance (1 of 4 stars; one submission).

Conditions:
Kleefstra syndrome 1 (KLEFS1). Identifiers: Orphanet 261494, MedGen C0795833, MONDO:0027407, OMIM 610253.

Allele frequency attached by ClinVar (database versions not stated): gnomAD exomes below 0.00001.
gnomAD v4.1: 2 of 1,606,908 alleles (0.00012%); highest among the groups gnomAD compares: East Asian, 0.0022%; no homozygotes.

Submission:

Labcorp Genetics (formerly Invitae), Labcorp
Classification: Uncertain significance for Kleefstra syndrome 1. Last evaluated: 2022-03-27. Review status: criteria provided, single submitter. Criteria: Invitae Variant Classification Sherloc (09022015). Collection method: clinical testing. Allele origin: germline.
Comment: In summary, the available evidence is currently insufficient to determine the role of this variant in disease. Therefore, it has been classified as a Variant of Uncertain Significance. Algorithms developed to predict the effect of sequence changes on RNA splicing suggest that this variant may disrupt the consensus splice site. This variant has not been reported in the literature in individuals affected with EHMT1-related conditions. This variant is present in population databases (no rsID available, gnomAD 0.006%). This sequence change falls in intron 14 of the EHMT1 gene. It does not directly change the encoded amino acid sequence of the EHMT1 protein.